The following is an entry in ClinVar:

NM_005068.3(SIM1):c.29G>A (p.Arg10Gln)

Gene: SIM1 (SIM bHLH transcription factor 1; minus strand). Cytogenetic location: 6q16.3.
Variant type: single nucleotide variant.
Coding change: c.29G>A on transcript NM_005068.3 (MANE Select); coding-DNA position 29, G replaced by A.
Protein change: p.Arg10Gln; replaces arginine 10 with glutamine.
Molecular consequence: missense variant.
Genome position (GRCh38, 1-based): chr6:100,463,440, C>T on the plus strand (G>A on the coding strand, the complement: SIM1 is on the minus strand). VCF-style: chr6-100463440-C-T. GRCh37 (hg19) VCF-style: chr6-100911316-C-T.
Other names: c.29G>A, p.Arg10Gln (NM_001374769.1); short protein forms R10Q.
Identifiers: ClinVar variation 4795311 (VCV004795311.1).

ClinVar aggregate classification (germline): Uncertain significance (1 of 4 stars; one submission).

Submission:

GeneDx
Classification: Uncertain significance. Last evaluated: 2025-08-15. Review status: criteria provided, single submitter. Criteria: GeneDx Variant Classification Process June 2021. Collection method: clinical testing. Allele origin: germline. Affected: yes.
Comment: Not observed at significant frequency in large population cohorts (gnomAD); In silico analysis suggests that this missense variant does not alter protein structure/function; Has not been previously published as pathogenic or benign to our knowledge